The following is an entry in ClinVar:

ClinVar aggregate classification (germline): Benign/Likely benign. Review status: criteria provided, multiple submitters, no conflicts (2 of 4 stars). 3 submissions from 3 submitters: Benign (1); Likely benign (1). 1 of the submissions does not count toward it. Last evaluated 2024-04-23.

Conditions:
ATP2A2-related disorder. Also called: ATP2A2-related condition; ATP2A2-Related Disorders.
Keratosis follicularis (DAR). Also called: Darier disease; Darier's disease. Identifiers: Orphanet 218, MedGen C0022595, MONDO:0007417, OMIM 124200.

Allele frequency attached by ClinVar (database versions not stated): ExAC 0.00006; gnomAD exomes 0.00006 and 0.00027; gnomAD 0.00007; TOPMed 0.00008; ESP Exome Variant Server 0.00015.
gnomAD v4.1: 401 of 1,613,692 alleles (0.025%); highest among the groups gnomAD compares: Non-Finnish European, 0.033%; 1 homozygote.

Submissions (3):

Labcorp Genetics (formerly Invitae), Labcorp
Classification: Benign. Last evaluated: 2024-04-23. Review status: criteria provided, single submitter. Criteria: Invitae Variant Classification Sherloc (09022015). Collection method: clinical testing. Allele origin: germline.

Illumina Laboratory Services, Illumina
Classification: Likely benign for Keratosis follicularis. Last evaluated: 2017-05-01. Review status: criteria provided, single submitter. Criteria: ICSL Variant Classification Criteria 13 December 2019. Collection method: clinical testing. Allele origin: germline.
Comment: This variant was observed as part of a predisposition screen in an ostensibly healthy population. A literature search was performed for the gene, cDNA change, and amino acid change (where applicable). Publications were found based on this search. The evidence from the literature, in combination with allele frequency data from public databases where available, was sufficient to determine this variant is unlikely to cause disease. Therefore, this variant is classified as likely benign.

PreventionGenetics, part of Exact Sciences
Classification: Likely benign for ATP2A2-related condition. Last evaluated: 2019-03-14. Review status: no assertion criteria provided. Collection method: clinical testing. Allele origin: germline. Not counted in ClinVar's aggregate classification.
Comment: This variant is classified as likely benign based on ACMG/AMP sequence variant interpretation guidelines (Richards et al. 2015 PMID: 25741868, with internal and published modifications).

Literature cited by the submitters: PubMed 11244492 (cited by Illumina Laboratory Services, Illumina).

NM_170665.4(ATP2A2):c.2295G>A (p.Ser765=)

Gene: ATP2A2 (ATPase sarcoplasmic/endoplasmic reticulum Ca2+ transporting 2; plus strand). Cytogenetic location: 12q24.11.
Variant type: single nucleotide variant.
Coding change: c.2295G>A on transcript NM_170665.4 (MANE Select); coding-DNA position 2295, G replaced by A.
Protein change: p.Ser765=; no amino-acid change (serine 765 retained).
Molecular consequence: synonymous variant.
Genome position (GRCh38, 1-based): chr12:110,342,425, G>A. VCF-style: chr12-110342425-G-A. GRCh37 (hg19) VCF-style: chr12-110780230-G-A.
Other names: c.2295G>A, p.Ser765= (NM_001681.4).
Identifiers: ClinVar variation 883130 (VCV000883130.9), dbSNP rs375096367, ClinGen allele CA6784070.
Genomic context (GRCh38, chr12:110,342,425, plus strand): 5'-CGTTGAGGAGGGGCGGGCAATCTACAACAACATGAAACAGTTCATCCGCTACCTCATCTC[G>A]TCCAACGTCGGGGAAGTTGTCTGGTAGGTCTCTGTGACAGCATCACTTACTGTACGCCTT-3'
Protein context (NP_733765.1, residues 755-775): NMKQFIRYLI[Ser765=]SNVGEVVCIF